The following is an entry in ClinVar:

NC_000011.9:g.(?_64575120)_(64576450_?)del

Gene: MEN1 (menin 1; minus strand). Cytogenetic location: 11q13.1.
Variant type: Deletion.
Identifiers: ClinVar variation 2427197 (VCV002427197.4).

ClinVar aggregate classification (germline): Pathogenic (1 of 4 stars; one submission).

Conditions:
Multiple endocrine neoplasia, type 1 (MEN1). Also called: MEA I; MEN I; WERMER SYNDROME; Endocrine adenomatosis multiple; MEN 1. Identifiers: Orphanet 652, MedGen C0025267, MeSH D018761, MONDO:0007540, OMIM 131100.

Submission:

Labcorp Genetics (formerly Invitae), Labcorp
Classification: Pathogenic for Multiple endocrine neoplasia, type 1. Last evaluated: 2022-09-13. Review status: criteria provided, single submitter. Criteria: Invitae Variant Classification Sherloc (09022015). Collection method: clinical testing. Allele origin: germline.
Comment: For these reasons, this variant has been classified as Pathogenic. This variant disrupts a region of the MEN1 protein in which other variant(s) (p.Leu223Pro) have been determined to be pathogenic (PMID: 9683585, 10849016, 12112656; Invitae). This suggests that this is a clinically significant region of the protein, and that variants that disrupt it are likely to be disease-causing. This variant has not been reported in the literature in individuals affected with MEN1-related conditions. This variant results in the deletion of exon 3 and part of exon 4 (c.445+687_687del) of the MEN1 gene. It is expected to disrupt RNA splicing. Variants that disrupt the donor or acceptor splice site typically lead to a loss of protein function (PMID: 16199547), and loss-of-function variants in MEN1 are known to be pathogenic (PMID: 12112656, 17853334).

Literature cited by the submitters: PubMed 9683585; PubMed 10849016; PubMed 12112656; PubMed 16199547; PubMed 17853334.